The following is an entry in ClinVar:

ClinVar aggregate classification (germline): Uncertain significance. Review status: criteria provided, multiple submitters, no conflicts (2 of 4 stars). 4 submissions from 4 submitters: Uncertain significance (4). Last evaluated 2026-02-27.

Conditions:
Catecholaminergic polymorphic ventricular tachycardia (CVPT). Also called: Catecholamine-induced polymorphic ventricular tachycardia. Identifiers: Orphanet 3286, MedGen C5574922, MONDO:0017990.
Catecholaminergic polymorphic ventricular tachycardia 1. Also called: VENTRICULAR TACHYCARDIA, CATECHOLAMINERGIC POLYMORPHIC, 1, WITH OR WITHOUT ATRIAL DYSFUNCTION AND/OR DILATED CARDIOMYOPATHY; RYR2-Related Catecholaminergic Polymorphic Ventricular Tachycardia; VENTRICULAR TACHYCARDIA, STRESS-INDUCED POLYMORPHIC 1. Identifiers: Orphanet 3286, MedGen C1631597, MONDO:0011484, OMIM 604772.

Allele frequency attached by ClinVar (database versions not stated): ExAC 0.00001.
gnomAD v4.1: 1 of 1,609,262 alleles (0.000062%); highest among the groups gnomAD compares: Admixed American, 0.0017%; no homozygotes.

Submissions (4):

GeneDx
Classification: Uncertain significance. Last evaluated: 2026-02-27. Review status: criteria provided, single submitter. Criteria: GeneDx Variant Classification Process June 2021. Collection method: clinical testing. Allele origin: germline.
Comment: Not observed at significant frequency in large population cohorts (gnomAD); In silico analysis supports that this missense variant has a deleterious effect on protein structure/function; Has not been previously published as pathogenic or benign to our knowledge; Not located in one of the three hot-spot regions of the RYR2 gene, where the majority of pathogenic missense variants occur (PMID: 19926015); This variant is associated with the following publications: (PMID: 19926015)

ARUP Laboratories, Molecular Genetics and Genomics, ARUP Laboratories
Classification: Uncertain significance. Last evaluated: 2024-10-11. Review status: criteria provided, single submitter. Criteria: ARUP Molecular Germline Variant Investigation Process 2024. Collection method: clinical testing. Allele origin: germline.
Comment: The RYR2 c.11068G>C; p.Ala3690Pro variant (rs751278951), to our knowledge, is not reported in the medical literature but is reported in ClinVar (Variation ID: 1500448). This variant is only observed on one allele in the Genome Aggregation Database (v2.1.1), indicating it is not a common polymorphism. Computational analyses predict that this variant is deleterious (REVEL: 0.865). However, given the lack of clinical and functional data, the significance of this variant is uncertain at this time.

All of Us Research Program, National Institutes of Health
Classification: Uncertain significance for Catecholaminergic polymorphic ventricular tachycardia. Last evaluated: 2023-06-26. Review status: criteria provided, single submitter. Criteria: ACMG Guidelines, 2015. Collection method: clinical testing. Allele origin: germline. Inheritance: Autosomal dominant inheritance. Observed: 1 variant allele, 1 heterozygote.
Comment: This missense variant replaces alanine with proline at codon 3690 of the RYR2 protein. Computational prediction suggests that this variant may have deleterious impact on protein structure and function (internally defined REVEL score threshold >= 0.7, PMID: 27666373). To our knowledge, functional studies have not been reported for this variant. This variant has not been reported in individuals affected with RYR2-related disorders in the literature. This variant has been identified in 1/247474 chromosomes in the general population by the Genome Aggregation Database (gnomAD). The available evidence is insufficient to determine the role of this variant in disease conclusively. Therefore, this variant is classified as a Variant of Uncertain Significance.

This study involves interpretation of variants in research participants for the purpose of population health screening. Participant phenotype was not available at the time of variant classification. Additional details can be found in publication PMID: 35346344, PMCID: PMC8962531

Labcorp Genetics (formerly Invitae), Labcorp
Classification: Uncertain significance for Catecholaminergic polymorphic ventricular tachycardia 1. Last evaluated: 2021-08-26. Review status: criteria provided, single submitter. Criteria: Invitae Variant Classification Sherloc (09022015). Collection method: clinical testing. Allele origin: germline.
Comment: This sequence change replaces alanine with proline at codon 3690 of the RYR2 protein (p.Ala3690Pro). The alanine residue is highly conserved and there is a small physicochemical difference between alanine and proline. This variant is present in population databases (rs751278951, ExAC 0.009%). This variant has not been reported in the literature in individuals affected with RYR2-related conditions. Advanced modeling of protein sequence and biophysical properties (such as structural, functional, and spatial information, amino acid conservation, physicochemical variation, residue mobility, and thermodynamic stability) performed at Invitae indicates that this missense variant is expected to disrupt RYR2 protein function. In summary, the available evidence is currently insufficient to determine the role of this variant in disease. Therefore, it has been classified as a Variant of Uncertain Significance.

NM_001035.3(RYR2):c.11068G>C (p.Ala3690Pro)

Gene: RYR2 (ryanodine receptor 2; plus strand). Cytogenetic location: 1q43.
Variant type: single nucleotide variant.
Coding change: c.11068G>C on transcript NM_001035.3 (MANE Select); coding-DNA position 11068, G replaced by C.
Protein change: p.Ala3690Pro; replaces alanine 3690 with proline.
Molecular consequence: missense variant.
Genome position (GRCh38, 1-based): chr1:237,733,733, G>C. VCF-style: chr1-237733733-G-C. GRCh37 (hg19) VCF-style: chr1-237897033-G-C.
Other names: c.11068G>C (NM_001035.2); short protein forms A3690P.
Identifiers: ClinVar variation 1500448 (VCV001500448.9), dbSNP rs751278951, ClinGen allele CA084692.
Genomic context (GRCh38, chr1:237,733,733, plus strand): 5'-AAACACTGATGTTTTCTTCTTGCTTTCCCCAGCAAACTGGAGGAAGATTTTTTATATATG[G>C]CCTATGCAGATATTATGGCAAAGGTAAATAAGTATCCTTCCTGATTTTCATGTTTAATTT-3'
Protein context (NP_001026.2, residues 3680-3700): CKLEEDFLYM[Ala3690Pro]YADIMAKSCH